The following is an entry in ClinVar:

ClinVar aggregate classification (germline): Uncertain significance (1 of 4 stars; one submission).

gnomAD v4.1: 7 of 1,484,938 alleles (0.00047%); highest among the groups gnomAD compares: Admixed American, 0.0022%; no homozygotes.

Submission:

Ambry Genetics
Classification: Uncertain significance. Last evaluated: 2025-02-15. Review status: criteria provided, single submitter. Criteria: Ambry Variant Classification Scheme 2023. Collection method: clinical testing. Allele origin: germline.
Comment: The p.G10R variant (also known as c.28G>A), located in coding exon 1 of the EGLN1 gene, results from a G to A substitution at nucleotide position 28. The glycine at codon 10 is replaced by arginine, an amino acid with dissimilar properties. This amino acid position is conserved. In addition, this alteration is predicted to be tolerated by in silico analysis. Since supporting evidence is limited at this time, the clinical significance of this alteration remains unclear.

NM_022051.3(EGLN1):c.28G>A (p.Gly10Arg)

Gene: EGLN1 (egl-9 family hypoxia inducible factor 1; minus strand). Cytogenetic location: 1q42.2.
Variant type: single nucleotide variant.
Coding change: c.28G>A on transcript NM_022051.3 (MANE Select); coding-DNA position 28, G replaced by A.
Protein change: p.Gly10Arg; replaces glycine 10 with arginine.
Molecular consequence: missense variant.
Genome position (GRCh38, 1-based): chr1:231,421,861, C>T on the plus strand (G>A on the coding strand, the complement: EGLN1 is on the minus strand). VCF-style: chr1-231421861-C-T. GRCh37 (hg19) VCF-style: chr1-231557607-C-T.
Other names: c.28G>A, p.Gly10Arg (NM_001377260.1, NM_001377261.1); short protein forms G10R.
Identifiers: ClinVar variation 2450377 (VCV002450377.3), dbSNP rs1385689881, ClinGen allele CA345239455.
Genomic context (GRCh38, chr1:231,421,861, plus strand): 5'-GGTTCTCCATCTTCCCGCACAGCTCGCAGTACTGCCGGTCTCGCTCGCTCGGGCTCGGCC[C>T]GCCGGGCCCGCCGCTGTCATTGGCCATGGCGGCGGCGGCGGCGGCGACGGCGACTGCGGC-3'
Protein context (NP_071334.1, residues 1-20): MANDSGGPG[Gly10Arg]PSPSERDRQY